The following is an entry in ClinVar:

ClinVar aggregate classification (germline): Benign/Likely benign. Review status: criteria provided, multiple submitters, no conflicts (2 of 4 stars). 3 submissions from 3 submitters: Benign (1); Likely benign (1). 1 of the submissions does not count toward it. Last evaluated 2025-08-20.

Conditions:
FASN-related disorder. Also called: FASN-related condition.
Epileptic encephalopathy. Identifiers: MedGen C0543888, HP:0200134.

Allele frequency attached by ClinVar (database versions not stated): ESP Exome Variant Server 0.00008; gnomAD exomes 0.00009 and 0.00030; gnomAD 0.00021 and 0.00022; TOPMed 0.00021; ExAC 0.00033; 1000 Genomes Project 30x 0.00047; 1000 Genomes Project 0.00060.

Submissions (3):

Labcorp Genetics (formerly Invitae), Labcorp
Classification: Benign for Epileptic encephalopathy. Last evaluated: 2025-08-20. Review status: criteria provided, single submitter. Criteria: Invitae Variant Classification Sherloc (09022015). Collection method: clinical testing. Allele origin: germline.

Blueprint Genetics
Classification: Likely benign. Last evaluated: 2024-09-18. Review status: criteria provided, single submitter. Criteria: ACMG Guidelines, 2015. Collection method: clinical testing. Allele origin: germline.

PreventionGenetics, part of Exact Sciences
Classification: Likely benign for FASN-related condition. Last evaluated: 2019-04-09. Review status: no assertion criteria provided. Collection method: clinical testing. Allele origin: germline. Not counted in ClinVar's aggregate classification.
Comment: This variant is classified as likely benign based on ACMG/AMP sequence variant interpretation guidelines (Richards et al. 2015 PMID: 25741868, with internal and published modifications).

NM_004104.5(FASN):c.1230G>A (p.Pro410=)

Gene: FASN (fatty acid synthase; minus strand). Cytogenetic location: 17q25.3.
Variant type: single nucleotide variant.
Coding change: c.1230G>A on transcript NM_004104.5 (MANE Select); coding-DNA position 1230, G replaced by A.
Protein change: p.Pro410=; no amino-acid change (proline 410 retained).
Molecular consequence: synonymous variant.
Genome position (GRCh38, 1-based): chr17:82,091,484, C>T on the plus strand (G>A on the coding strand, the complement: FASN is on the minus strand). VCF-style: chr17-82091484-C-T. GRCh37 (hg19) VCF-style: chr17-80049360-C-T.
Identifiers: ClinVar variation 462000 (VCV000462000.15), dbSNP rs376870564, ClinGen allele CA8853221.